The following is an entry in ClinVar:

NM_001040142.2(SCN2A):c.5623C>T (p.Leu1875Phe)

Gene: SCN2A (sodium voltage-gated channel alpha subunit 2; plus strand). Cytogenetic location: 2q24.3.
Variant type: single nucleotide variant.
Coding change: c.5623C>T on transcript NM_001040142.2 (MANE Select); coding-DNA position 5623, C replaced by T.
Protein change: p.Leu1875Phe; replaces leucine 1875 with phenylalanine.
Molecular consequence: missense variant.
Genome position (GRCh38, 1-based): chr2:165,389,429, C>T. VCF-style: chr2-165389429-C-T. GRCh37 (hg19) VCF-style: chr2-166245939-C-T.
Other names: c.5623C>T, p.Leu1875Phe (NM_001040143.2, NM_001371246.1, NM_001371247.1 and 1 more transcripts); short protein forms L1875F.
Identifiers: ClinVar variation 450962 (VCV000450962.16), dbSNP rs1553463764, ClinGen allele CA349039569.

ClinVar aggregate classification (germline): Conflicting classifications of pathogenicity. Review status: criteria provided, conflicting classifications (1 of 4 stars). 3 submissions from 3 submitters: Likely pathogenic (1); Uncertain significance (2). Last evaluated 2025-10-10.

Conditions:
Complex neurodevelopmental disorder. Identifiers: Orphanet 528084, MedGen C5568766, MONDO:0100038.
Developmental and epileptic encephalopathy, 11 (DEE11). Also called: Early infantile epileptic encephalopathy 11. Identifiers: Orphanet 1934, MedGen C3150987, MONDO:0013388, OMIM 613721.
Seizures, benign familial infantile, 3 (BFIS3). Also called: CONVULSIONS, BENIGN FAMILIAL INFANTILE, 3; Familial neonatal seizures. Identifiers: Orphanet 140927, Orphanet 306, MedGen C1843140, MONDO:0011904, OMIM 607745.

Submissions (3):

Athena Diagnostics
Classification: Likely pathogenic. Last evaluated: 2025-10-10. Review status: criteria provided, single submitter. Criteria: Athena Diagnostics Criteria. Collection method: clinical testing. Allele origin: unknown.
Comment: This variant has not been reported in large, multi-ethnic general populations. This variant has been confirmed to occur de novo in at least one individual with clinical features associated with this gene (PMID: 33727758 and personal communication related to ClinVar ID: 450962, Accession: SCV001443393.2). Polyphen and MutationTaster predict this amino acid change may be damaging to the protein.

Labcorp Genetics (formerly Invitae), Labcorp
Classification: Uncertain significance for Seizures, benign familial infantile, 3; Developmental and epileptic encephalopathy, 11. Last evaluated: 2021-04-01. Review status: criteria provided, single submitter. Criteria: Invitae Variant Classification Sherloc (09022015). Collection method: clinical testing. Allele origin: germline.
Comment: This variant has not been reported in the literature in individuals with SCN2A-related conditions. ClinVar contains an entry for this variant (Variation ID: 450962). In summary, the available evidence is currently insufficient to determine the role of this variant in disease. Therefore, it has been classified as a Variant of Uncertain Significance. Algorithms developed to predict the effect of missense changes on protein structure and function are either unavailable or do not agree on the potential impact of this missense change (SIFT: "Deleterious"; PolyPhen-2: "Probably Damaging"; Align-GVGD: "Class C15"). This variant is not present in population databases (ExAC no frequency). This sequence change replaces leucine with phenylalanine at codon 1875 of the SCN2A protein (p.Leu1875Phe). The leucine residue is highly conserved and there is a small physicochemical difference between leucine and phenylalanine.

GeneDx
Classification: Uncertain significance. Last evaluated: 2020-03-02. Review status: criteria provided, single submitter. Criteria: GeneDx Variant Classification Process June 2021. Collection method: clinical testing. Allele origin: germline. Affected: yes.
Comment: Not observed in large population cohorts (Lek et al., 2016); Missense variants in this gene are often considered pathogenic (Stenson et al., 2014); In silico analysis supports that this missense variant has a deleterious effect on protein structure/function; Has not been previously published as pathogenic or benign to our knowledge; This substitution is predicted to be within the C-terminal cytoplasmic domain

Literature cited by the submitters: PubMed 32845893 (cited by Athena Diagnostics); PubMed 33727758 (cited by Athena Diagnostics).